The following is an entry in ClinVar:

ClinVar aggregate classification (germline): Uncertain significance. Review status: criteria provided, multiple submitters, no conflicts (2 of 4 stars). 2 submissions from 2 submitters: Uncertain significance (2). Last evaluated 2023-10-06.

Conditions:
Nephrolithiasis/nephrocalcinosis. Identifiers: MedGen CN580796.
Autosomal dominant hypocalcemia 1 (HYPOC1). Also called: HYPOCALCEMIA, FAMILIAL. Identifiers: MedGen C3715128, MONDO:0011013, OMIM 601198.
Familial hypocalciuric hypercalcemia (FHH). Also called: Familial benign hypercalcemia. Identifiers: Orphanet 405, MedGen C1809471, MONDO:0018458.

gnomAD v4.1: 5 of 1,613,396 alleles (0.00031%); highest among the groups gnomAD compares: Non-Finnish European, 0.00042%; no homozygotes.

Submissions (2):

Ambry Genetics
Classification: Uncertain significance for Nephrolithiasis/nephrocalcinosis. Last evaluated: 2023-10-06. Review status: criteria provided, single submitter. Criteria: Ambry Variant Classification Scheme 2023. Collection method: clinical testing. Allele origin: germline.
Comment: The p.V9F variant (also known as c.25G>T), located in coding exon 1 of the CASR gene, results from a G to T substitution at nucleotide position 25. The valine at codon 9 is replaced by phenylalanine, an amino acid with highly similar properties. This amino acid position is conserved. In addition, this alteration is predicted to be tolerated by in silico analysis. Since supporting evidence is limited at this time, the clinical significance of this alteration remains unclear.

Labcorp Genetics (formerly Invitae), Labcorp
Classification: Uncertain significance for Familial hypocalciuric hypercalcemia; Autosomal dominant hypocalcemia 1. Last evaluated: 2022-09-25. Review status: criteria provided, single submitter. Criteria: Invitae Variant Classification Sherloc (09022015). Collection method: clinical testing. Allele origin: germline.
Comment: Algorithms developed to predict the effect of missense changes on protein structure and function (SIFT, PolyPhen-2, Align-GVGD) all suggest that this variant is likely to be tolerated. In summary, the available evidence is currently insufficient to determine the role of this variant in disease. Therefore, it has been classified as a Variant of Uncertain Significance. This variant has not been reported in the literature in individuals affected with CASR-related conditions. This variant is not present in population databases (gnomAD no frequency). This sequence change replaces valine, which is neutral and non-polar, with phenylalanine, which is neutral and non-polar, at codon 9 of the CASR protein (p.Val9Phe).

NM_000388.4(CASR):c.25G>T (p.Val9Phe)

Gene: CASR (calcium sensing receptor; plus strand). Cytogenetic location: 3q21.1.
Variant type: single nucleotide variant.
Coding change: c.25G>T on transcript NM_000388.4 (MANE Select); coding-DNA position 25, G replaced by T.
Protein change: p.Val9Phe; replaces valine 9 with phenylalanine.
Molecular consequence: missense variant.
Genome position (GRCh38, 1-based): chr3:122,254,214, G>T. VCF-style: chr3-122254214-G-T. GRCh37 (hg19) VCF-style: chr3-121973061-G-T.
Other names: c.25G>T, p.Val9Phe (NM_001178065.2); c.25G>T (NM_000388.3); short protein forms V9F.
Identifiers: ClinVar variation 2050610 (VCV002050610.5), dbSNP rs2074528111, ClinGen allele CA354361975.
Genomic context (GRCh38, chr3:122,254,214, plus strand): 5'-CTGTCTCATCCCTTGCCCTGGAGAGACGGCAGAACCATGGCATTTTATAGCTGCTGCTGG[G>T]TCCTCTTGGCACTCACCTGGCACACCTCTGCCTACGGGCCAGACCAGCGAGCCCAAAAGA-3'
Protein context (NP_000379.3, residues 1-19): MAFYSCCW[Val9Phe]LLALTWHTSA